The following is an entry in ClinVar:

NM_000257.4(MYH7):c.4373A>G (p.Gln1458Arg)

Genes: MHRT (myosin heavy chain associated RNA transcript; plus strand), MYH7 (myosin heavy chain 7; minus strand). Cytogenetic location: 14q11.2.
Variant type: single nucleotide variant.
Coding change: c.4373A>G on transcript NM_000257.4 (MANE Select); coding-DNA position 4373, A replaced by G.
Protein change: p.Gln1458Arg; replaces glutamine 1458 with arginine.
Molecular consequence: missense variant. On other transcripts: non-coding transcript variant (1).
Genome position (GRCh38, 1-based): chr14:23,417,299, T>C on the plus strand (A>G on the coding strand, the complement: MYH7 is on the minus strand). VCF-style: chr14-23417299-T-C. GRCh37 (hg19) VCF-style: chr14-23886508-T-C.
Other names: c.4373A>G (NM_000257.2); short protein forms Q1458R.
Identifiers: ClinVar variation 1005822 (VCV001005822.10), dbSNP rs772562745, ClinGen allele CA042082.
Genomic context (GRCh38, chr14:23,417,299, plus strand): 5'-CTGAGGGAGCGAGCCTCCTTCTGCGAGGACTCCAGCTCCGACTGCGACTCCTCATACTTC[T>C]GCTTCCACTCGGCCAGGATCTGCCCGGGGACAAGGCTCACTCTTCAGCCCCCCAGCCTCA-3'
Protein context (NP_000248.2, residues 1448-1468): NFDKILAEWK[Gln1458Arg]KYEESQSELE

ClinVar aggregate classification (germline): Uncertain significance. Review status: criteria provided, multiple submitters, no conflicts (2 of 4 stars). 3 submissions from 3 submitters: Uncertain significance (3). Last evaluated 2025-05-29.

Conditions:
Cardiomyopathy (CMYO). Also called: Cardiomyopathies. Identifiers: Orphanet 167848, MedGen C0878544, MONDO:0004994, HP:0001638. Inheritance: Various modes of inheritance.
Hypertrophic cardiomyopathy. Also called: HYPERTROPHIC MYOCARDIOPATHY. Identifiers: Orphanet 217569, MedGen C0007194, MeSH D002312, MONDO:0005045, HP:0001639.

Allele frequency attached by ClinVar (database versions not stated): gnomAD exomes 0.00001; ExAC 0.00002.
gnomAD v4.1: 7 of 1,614,128 alleles (0.00043%); highest among the groups gnomAD compares: South Asian, 0.0077%; no homozygotes.

Submissions (3):

GeneDx
Classification: Uncertain significance. Last evaluated: 2025-05-29. Review status: criteria provided, single submitter. Criteria: GeneDx Variant Classification Process June 2021. Collection method: clinical testing. Allele origin: germline. Affected: yes.
Comment: Not observed at significant frequency in large population cohorts (gnomAD); In silico analysis suggests that this missense variant does not alter protein structure/function; Has not been previously published as pathogenic or benign to our knowledge

All of Us Research Program, National Institutes of Health
Classification: Uncertain significance for Cardiomyopathy. Last evaluated: 2023-02-24. Review status: criteria provided, single submitter. Criteria: ACMG Guidelines, 2015. Collection method: clinical testing. Allele origin: germline. Inheritance: Autosomal dominant inheritance. Observed: 1 variant allele, 1 heterozygote.
Comment: This missense variant replaces glutamine with arginine at codon 1458 of the MYH7 protein. Computational prediction suggests that this variant may not impact protein structure and function (internally defined REVEL score threshold <= 0.5, PMID: 27666373). To our knowledge, functional studies have not been reported for this variant. This variant has not been reported in individuals affected with MYH7-related disorders in the literature. This variant has been identified in 3/251192 chromosomes in the general population by the Genome Aggregation Database (gnomAD). The available evidence is insufficient to determine the role of this variant in disease conclusively. Therefore, this variant is classified as a Variant of Uncertain Significance.

This study involves interpretation of variants in research participants for the purpose of population health screening. Participant phenotype was not available at the time of variant classification. Additional details can be found in publication PMID: 35346344, PMCID: PMC8962531

Labcorp Genetics (formerly Invitae), Labcorp
Classification: Uncertain significance for Hypertrophic cardiomyopathy. Last evaluated: 2020-09-30. Review status: criteria provided, single submitter. Criteria: Invitae Variant Classification Sherloc (09022015). Collection method: clinical testing. Allele origin: germline.
Comment: In summary, the available evidence is currently insufficient to determine the role of this variant in disease. Therefore, it has been classified as a Variant of Uncertain Significance. Algorithms developed to predict the effect of missense changes on protein structure and function are either unavailable or do not agree on the potential impact of this missense change (SIFT: "Deleterious"; PolyPhen-2: "Probably Damaging"; Align-GVGD: "Class C0"). This variant has not been reported in the literature in individuals with MYH7-related conditions. The frequency data for this variant in the population databases is considered unreliable, as metrics indicate poor data quality at this position in the ExAC database. This sequence change replaces glutamine with arginine at codon 1458 of the MYH7 protein (p.Gln1458Arg). The glutamine residue is highly conserved and there is a small physicochemical difference between glutamine and arginine.